The following is an entry in ClinVar:

NM_000245.4(MET):c.3589A>G (p.Ser1197Gly)

Gene: MET (MET proto-oncogene, receptor tyrosine kinase; plus strand). Cytogenetic location: 7q31.2.
Variant type: single nucleotide variant.
Coding change: c.3589A>G on transcript NM_000245.4 (MANE Select); coding-DNA position 3589, A replaced by G.
Protein change: p.Ser1197Gly; replaces serine 1197 with glycine.
Molecular consequence: missense variant.
Genome position (GRCh38, 1-based): chr7:116,782,054, A>G. VCF-style: chr7-116782054-A-G. GRCh37 (hg19) VCF-style: chr7-116422108-A-G.
Other names: c.3643A>G, p.Ser1215Gly (NM_001127500.3); c.2299A>G, p.Ser767Gly (NM_001324402.2); short protein forms S1197G, S1215G, S767G.
Identifiers: ClinVar variation 2120803 (VCV002120803.4), dbSNP rs2117060265, ClinGen allele CA368991098.

ClinVar aggregate classification (germline): Uncertain significance (1 of 4 stars; one submission).

Conditions:
Renal cell carcinoma. Identifiers: Orphanet 217071, MedGen C0007134, MeSH D002292, MONDO:0005086, HP:0005584.

Submission:

Labcorp Genetics (formerly Invitae), Labcorp
Classification: Uncertain significance for Renal cell carcinoma. Last evaluated: 2022-12-10. Review status: criteria provided, single submitter. Criteria: Invitae Variant Classification Sherloc (09022015). Collection method: clinical testing. Allele origin: germline.
Comment: This sequence change replaces serine, which is neutral and polar, with glycine, which is neutral and non-polar, at codon 1215 of the MET protein (p.Ser1215Gly). This variant is not present in population databases (gnomAD no frequency). This variant has not been reported in the literature in individuals affected with MET-related conditions. Advanced modeling of protein sequence and biophysical properties (such as structural, functional, and spatial information, amino acid conservation, physicochemical variation, residue mobility, and thermodynamic stability) has been performed at Invitae for this missense variant, however the output from this modeling did not meet the statistical confidence thresholds required to predict the impact of this variant on MET protein function. In summary, the available evidence is currently insufficient to determine the role of this variant in disease. Therefore, it has been classified as a Variant of Uncertain Significance.